The following is an entry in ClinVar:

NM_003072.5(SMARCA4):c.4794G>A (p.Lys1598=)

Gene: SMARCA4 (SWI/SNF related BAF chromatin remodeling complex subunit ATPase 4; plus strand). Cytogenetic location: 19p13.2.
Variant type: single nucleotide variant.
Coding change: c.4794G>A on transcript NM_003072.5 (MANE Select); coding-DNA position 4794, G replaced by A.
Protein change: p.Lys1598=; no amino-acid change (lysine 1598 retained).
Molecular consequence: synonymous variant. On other transcripts: non-coding transcript variant (1).
Genome position (GRCh38, 1-based): chr19:11,060,070, G>A. VCF-style: chr19-11060070-G-A. GRCh37 (hg19) VCF-style: chr19-11170746-G-A.
Other names: c.4794G>A, p.Lys1598= (NM_001128844.3); c.4704G>A, p.Lys1568= (NM_001128845.2); c.4701G>A, p.Lys1567= (NM_001128846.2); c.4695G>A, p.Lys1565= (NM_001128847.4, NM_001374457.1); c.4692G>A, p.Lys1564= (NM_001128848.2); c.4890G>A, p.Lys1630= (NM_001128849.3, NM_001387283.1).
Identifiers: ClinVar variation 484850 (VCV000484850.18), dbSNP rs372408986, ClinGen allele CA9204883.

ClinVar aggregate classification (germline): Benign/Likely benign. Review status: criteria provided, multiple submitters, no conflicts (2 of 4 stars). 4 submissions from 4 submitters: Benign (1); Likely benign (3). Last evaluated 2026-07-23.

Conditions:
Hereditary cancer-predisposing syndrome. Also called: Tumor predisposition; Neoplastic Syndromes, Hereditary; Hereditary Cancer Syndrome; Hereditary neoplastic syndrome. Identifiers: Orphanet 140162, MedGen C0027672, MeSH D009386, MONDO:0015356.
Rhabdoid tumor predisposition syndrome 2 (RTPS2). Identifiers: Orphanet 231108, Orphanet 69077, MedGen C2750074, MONDO:0013224, OMIM 613325.

Allele frequency attached by ClinVar (database versions not stated): gnomAD exomes 0.00001 and below 0.00001; TOPMed 0.00002; ExAC 0.00005; ESP Exome Variant Server 0.00008.
gnomAD v4.1: 6 of 1,556,184 alleles (0.00039%); highest among the groups gnomAD compares: Middle Eastern, 0.017%; no homozygotes.

Submissions (4):

Myriad Genetics, Inc.
Classification: Benign for Rhabdoid tumor predisposition syndrome 2. Last evaluated: 2026-07-23. Review status: criteria provided, single submitter. Criteria: Myriad Autosomal Dominant, Autosomal Recessive and X-Linked Classification Criteria (2023). Collection method: clinical testing. Allele origin: unknown.
Comment: This variant is considered benign. This variant is a silent/synonymous amino acid change and it is not expected to impact splicing.

Labcorp Genetics (formerly Invitae), Labcorp
Classification: Likely benign for Rhabdoid tumor predisposition syndrome 2. Last evaluated: 2026-01-26. Review status: criteria provided, single submitter. Criteria: Invitae Variant Classification Sherloc (09022015). Collection method: clinical testing. Allele origin: germline.

Blueprint Genetics
Classification: Likely benign. Last evaluated: 2022-08-25. Review status: criteria provided, single submitter. Criteria: ACMG Guidelines, 2015. Collection method: clinical testing. Allele origin: germline.

Ambry Genetics
Classification: Likely benign for Hereditary cancer-predisposing syndrome. Last evaluated: 2016-02-15. Review status: criteria provided, single submitter. Criteria: Ambry Variant Classification Scheme 2023. Collection method: clinical testing. Allele origin: germline.